The following is an entry in ClinVar:

ClinVar aggregate classification (germline): Uncertain significance. Review status: criteria provided, multiple submitters, no conflicts (2 of 4 stars). 3 submissions from 3 submitters: Uncertain significance (3). Last evaluated 2026-01-01.

Conditions:
Dyskeratosis congenita, autosomal recessive 5 (DKCB5). Identifiers: MedGen C3554656, MONDO:0014076, OMIM 615190.
Pulmonary fibrosis and/or bone marrow failure, Telomere-related, 3. Also called: PULMONARY FIBROSIS AND/OR BONE MARROW FAILURE SYNDROME, TELOMERE-RELATED, 3. Identifiers: Orphanet 2032, MedGen C4225346, MONDO:0014613, OMIM 616373.
Inborn genetic diseases. Identifiers: MedGen C0950123, MeSH D030342.

Allele frequency attached by ClinVar (database versions not stated): gnomAD exomes below 0.00001; 1000 Genomes Project 30x 0.00016; 1000 Genomes Project 0.00020.
gnomAD v4.1: 6 of 1,598,652 alleles (0.00038%); highest among the groups gnomAD compares: Non-Finnish European, 0.00051%; no homozygotes.

Submissions (3):

CeGaT Center for Human Genetics Tuebingen
Classification: Uncertain significance. Last evaluated: 2026-01-01. Review status: criteria provided, single submitter. Criteria: CeGaT Center For Human Genetics Tuebingen Variant Classification Criteria Version 2. Collection method: clinical testing. Allele origin: germline. Affected: yes. Observed: 2 variant alleles.
Comment: RTEL1: PM2, BP4

Ambry Genetics
Classification: Uncertain significance for Inborn genetic diseases. Last evaluated: 2025-11-29. Review status: criteria provided, single submitter. Criteria: Ambry Variant Classification Scheme 2023. Collection method: clinical testing. Allele origin: germline.
Comment: The p.P1212L variant (also known as c.3635C>T), located in coding exon 33 of the RTEL1 gene, results from a C to T substitution at nucleotide position 3635. The proline at codon 1212 is replaced by leucine, an amino acid with similar properties. This amino acid position is conserved. In addition, this alteration is predicted to be tolerated by in silico analysis. Based on the available evidence, the clinical significance of this variant remains unclear.

Labcorp Genetics (formerly Invitae), Labcorp
Classification: Uncertain significance for Dyskeratosis congenita, autosomal recessive 5; Pulmonary fibrosis and/or bone marrow failure, Telomere-related, 3. Last evaluated: 2025-03-25. Review status: criteria provided, single submitter. Criteria: Invitae Variant Classification Sherloc (09022015). Collection method: clinical testing. Allele origin: germline.
Comment: This sequence change replaces proline, which is neutral and non-polar, with leucine, which is neutral and non-polar, at codon 1212 of the RTEL1 protein (p.Pro1212Leu). The frequency data for this variant in the population databases is considered unreliable, as metrics indicate poor data quality at this position in the gnomAD database. This variant has not been reported in the literature in individuals affected with RTEL1-related conditions. ClinVar contains an entry for this variant (Variation ID: 2652559). An algorithm developed to predict the effect of missense changes on protein structure and function outputs the following: PolyPhen-2: "Benign". The leucine amino acid residue is found in multiple mammalian species, which suggests that this missense change does not adversely affect protein function. In summary, the available evidence is currently insufficient to determine the role of this variant in disease. Therefore, it has been classified as a Variant of Uncertain Significance.

NM_001283009.2(RTEL1):c.3635C>T (p.Pro1212Leu)

Genes: RTEL1 (regulator of telomere elongation helicase 1; plus strand), RTEL1-TNFRSF6B (RTEL1-TNFRSF6B readthrough (NMD candidate); plus strand). Cytogenetic location: 20q13.33.
Variant type: single nucleotide variant.
Coding change: c.3635C>T on transcript NM_001283009.2 (MANE Select); coding-DNA position 3635, C replaced by T.
Protein change: p.Pro1212Leu; replaces proline 1212 with leucine.
Molecular consequence: missense variant. On other transcripts: non-coding transcript variant (1).
Genome position (GRCh38, 1-based): chr20:63,695,463, C>T. VCF-style: chr20-63695463-C-T. GRCh37 (hg19) VCF-style: chr20-62326816-C-T.
Other names: c.2966C>T, p.Pro989Leu (NM_001283010.1); c.3635C>T, p.Pro1212Leu (NM_016434.4); c.3707C>T, p.Pro1236Leu (NM_032957.5); short protein forms P1212L, P1236L, P989L.
Identifiers: ClinVar variation 2652559 (VCV002652559.25), dbSNP rs546783277, ClinGen allele CA317530044.